The following is an entry in ClinVar:

ClinVar aggregate classification (germline): Pathogenic. Review status: criteria provided, single submitter (1 of 4 stars). 2 submissions from 2 submitters: Pathogenic (1). 1 of the submissions does not count toward it. Last evaluated 2025-01-06.

Conditions:
Early-infantile DEE. Also called: Early infantile epileptic encephalopathy with suppression bursts; Ohtahara syndrome; Early infantile epileptic encephalopathy. Identifiers: Orphanet 1934, MedGen C0393706, MONDO:0800491.
Seizures, benign familial neonatal, 1. Also called: Benign Neonatal Epilepsy 1; KCNQ2-Related Benign Familial Neonatal Epilepsy; KCNQ2-Related Self-Limited Familial Neonatal Epilepsy (SLFNE); Seizures, benign neonatal, 1. Identifiers: Orphanet 1949, MedGen C3149074, MONDO:0007365, OMIM 121200.

Submissions (2):

Labcorp Genetics (formerly Invitae), Labcorp
Classification: Pathogenic for Early-infantile DEE. Last evaluated: 2025-01-06. Review status: criteria provided, single submitter. Criteria: Invitae Variant Classification Sherloc (09022015). Collection method: clinical testing. Allele origin: germline.
Comment: This sequence change results in a frameshift in the KCNQ2 gene (p.Arg871Glyfs*61). While this is not anticipated to result in nonsense mediated decay, it is expected to disrupt the last 2 amino acid(s) of the KCNQ2 protein and extend the protein by 58 additional amino acid residues. This variant is not present in population databases (gnomAD no frequency). This frameshift has been observed in individuals with benign familial neonatal seizures (PMID: 14534157, 24375629). It has also been observed to segregate with disease in related individuals. This variant is also known as 867insGGGCC, 2516ins5bp. Algorithms developed to predict the effect of variants on gene product structure and function are not available or were not evaluated for this variant. Experimental studies have shown that this frameshift affects KCNQ2 function (PMID: 14534157). For these reasons, this variant has been classified as Pathogenic.

GeneReviews
Classification: Pathogenic for Seizures, benign familial neonatal, 1. Last evaluated: 2016-03-31. Review status: no assertion criteria provided. Collection method: literature only. Allele origin: germline. Affected: yes. Not counted in ClinVar's aggregate classification.
Comment: BFNE (benign familial neonatal epilepsy). 3/12 seizures continued until age 2, 3, 7 years.

Functional effect: Reduction in current amplitude; slight shift in activation voltage-dependence; slight acceleration of current deactivation

Literature cited by the submitters: PubMed 14534157 (cited by Labcorp Genetics (formerly Invitae), Labcorp and GeneReviews); PubMed 24375629 (cited by Labcorp Genetics (formerly Invitae), Labcorp); PubMed 21937445 (cited by GeneReviews).

NM_172107.4(KCNQ2):c.2605_2609dup (p.Arg871fs)

Gene: KCNQ2 (potassium voltage-gated channel subfamily Q member 2; minus strand). Cytogenetic location: 20q13.33.
Variant type: Microsatellite.
Coding change: c.2605_2609dup on transcript NM_172107.4 (MANE Select); coding-DNA positions 2605 to 2609, 5 bases duplicated (GGGCC; older notation c.2605_2609dupGGGCC).
Protein change: p.Arg871fs; shifts the reading frame from arginine 871.
Molecular consequence: frameshift variant.
Genome position (GRCh38, 1-based): chr20:63,406,654-63,406,658, GGCCC duplicated on the plus strand (GGGCC on the coding strand, the reverse complement: KCNQ2 is on the minus strand); duplicating any 5 consecutive bases within chr20:63,406,654-63,406,663 gives the same sequence; the c. name uses the placement nearest the transcript's 3' end. VCF-style (leftmost placement, unchanged base first): chr20-63406653-G-GGGCCC. GRCh37 (hg19) VCF-style: chr20-62038006-G-GGGCCC.
Other names: c.2659_2663dup, p.Arg889fs (NM_001382235.1); c.2521_2525dup, p.Arg843fs (NM_004518.6); c.2551_2555dup, p.Arg853fs (NM_172106.3); c.2512_2516dup, p.Arg840fs (NM_172108.5); short protein forms R853fs, R840fs, R843fs, R871fs, R889fs.
Identifiers: ClinVar variation 21782 (VCV000021782.3), dbSNP rs118192246, ClinGen allele CA342497.